The following is an entry in ClinVar:

NM_006579.3(EBP):c.492C>T (p.Leu164=)

Gene: EBP (EBP cholestenol delta-isomerase; plus strand). Cytogenetic location: Xp11.23.
Variant type: single nucleotide variant.
Coding change: c.492C>T on transcript NM_006579.3 (MANE Select); coding-DNA position 492, C replaced by T.
Protein change: p.Leu164=; no amino-acid change (leucine 164 retained).
Molecular consequence: synonymous variant.
Genome position (GRCh38, 1-based): chrX:48,528,256, C>T. VCF-style: chrX-48528256-C-T. GRCh37 (hg19) VCF-style: chrX-48386644-C-T.
Identifiers: ClinVar variation 2849842 (VCV002849842.3), dbSNP rs2519112498, ClinGen allele CA516016745.

ClinVar aggregate classification (germline): Uncertain significance (1 of 4 stars; one submission).

Allele frequency attached by ClinVar (database versions not stated): gnomAD exomes below 0.00001.
gnomAD v4.1: 1 of 1,211,397 alleles (0.000083%); highest among the groups gnomAD compares: African/African-American, 0.0017%; no homozygotes.

Submission:

Labcorp Genetics (formerly Invitae), Labcorp
Classification: Uncertain significance. Last evaluated: 2023-05-21. Review status: criteria provided, single submitter. Criteria: Invitae Variant Classification Sherloc (09022015). Collection method: clinical testing. Allele origin: germline.
Comment: In summary, the available evidence is currently insufficient to determine the role of this variant in disease. Therefore, it has been classified as a Variant of Uncertain Significance. This sequence change affects codon 164 of the EBP mRNA. It is a 'silent' change, meaning that it does not change the encoded amino acid sequence of the EBP protein. This variant is not present in population databases (gnomAD no frequency). This variant has not been reported in the literature in individuals affected with EBP-related conditions. Algorithms developed to predict the effect of sequence changes on RNA splicing suggest that this variant may create or strengthen a splice site.